The following is an entry in ClinVar:

ClinVar aggregate classification (germline): Pathogenic (1 of 4 stars; one submission).

Conditions:
Autosomal recessive polycystic kidney disease (ARPKD). Also called: AR polycystic kidney disease. Identifiers: Orphanet 731, Orphanet 8378, MedGen C0085548, MeSH D017044, MONDO:0009889.

Submission:

Labcorp Genetics (formerly Invitae), Labcorp
Classification: Pathogenic for Autosomal recessive polycystic kidney disease. Last evaluated: 2019-07-01. Review status: criteria provided, single submitter. Criteria: Invitae Variant Classification Sherloc (09022015). Collection method: clinical testing. Allele origin: germline.
Comment: For these reasons, this variant has been classified as Pathogenic. Loss-of-function variants in PKHD1 are known to be pathogenic (PMID: 19940839). This variant has not been reported in the literature in individuals with PKHD1-related conditions. This variant is an out-of-frame deletion of the genomic region encompassing exon 19 of the PKHD1 gene. This is expected to create a premature translational stop signal and result in an absent or disrupted protein product.

Literature cited by the submitters: PubMed 19940839.

NC_000006.12:g.(?_52055567)_(52055749_?)del

Gene: PKHD1 (PKHD1 ciliary IPT domain containing fibrocystin/polyductin; minus strand). Cytogenetic location: 6p12.2.
Variant type: Deletion.
Identifiers: ClinVar variation 830429 (VCV000830429.6).